The following is an entry in ClinVar:

NM_004813.4(PEX16):c.683C>T (p.Pro228Leu)

Gene: PEX16 (peroxisomal biogenesis factor 16; minus strand). Cytogenetic location: 11p11.2.
Variant type: single nucleotide variant.
Coding change: c.683C>T on transcript NM_004813.4 (MANE Select); coding-DNA position 683, C replaced by T.
Protein change: p.Pro228Leu; replaces proline 228 with leucine.
Molecular consequence: missense variant.
Genome position (GRCh38, 1-based): chr11:45,914,327, G>A on the plus strand (C>T on the coding strand, the complement: PEX16 is on the minus strand). VCF-style: chr11-45914327-G-A. GRCh37 (hg19) VCF-style: chr11-45935878-G-A.
Other names: c.683C>T, p.Pro228Leu (NM_057174.3); short protein forms P228L.
Identifiers: ClinVar variation 3384807 (VCV003384807.1).

ClinVar aggregate classification (germline): Uncertain significance (1 of 4 stars; one submission).

gnomAD v4.1: 7 of 1,613,068 alleles (0.00043%); highest among the groups gnomAD compares: Non-Finnish European, 0.00059%; no homozygotes.

Submission:

Women's Health and Genetics/Laboratory Corporation of America, LabCorp
Classification: Uncertain significance. Last evaluated: 2024-10-09. Review status: criteria provided, single submitter. Criteria: LabCorp Variant Classification Summary - May 2015. Collection method: clinical testing. Allele origin: germline.
Comment: Variant summary: PEX16 c.683C>T (p.Pro228Leu) results in a non-conservative amino acid change in the encoded protein sequence. Five of five in-silico tools predict a damaging effect of the variant on protein function. The variant was absent in 249236 control chromosomes (gnomAD). c.683C>T has been reported in the literature in two siblings affected with peroxisome biogenesis disorders, Zellweger Syndrome Spectrum. Fibroblasts derived from these patients showed reduced PEX16 levels (Cheung_2022). These data indicate that the variant may be associated with disease. To our knowledge, no experimental evidence demonstrating an impact on protein function has been reported. The following publication has been ascertained in the context of this evaluation (PMID: 35106698). No submitters have cited clinical-significance assessments for this variant to ClinVar. Based on the evidence outlined above, the variant was classified as VUS-possibly pathogenic.

Literature cited by the submitters: PubMed 35106698.